The following is an entry in ClinVar:

NM_006035.4(CDC42BPB):c.4937G>C (p.Gly1646Ala)

Gene: CDC42BPB (CDC42 binding protein kinase beta; minus strand). Cytogenetic location: 14q32.32.
Variant type: single nucleotide variant.
Coding change: c.4937G>C on transcript NM_006035.4 (MANE Select); coding-DNA position 4937, G replaced by C.
Protein change: p.Gly1646Ala; replaces glycine 1646 with alanine.
Molecular consequence: missense variant.
Genome position (GRCh38, 1-based): chr14:102,938,171, C>G on the plus strand (G>C on the coding strand, the complement: CDC42BPB is on the minus strand). VCF-style: chr14-102938171-C-G. GRCh37 (hg19) VCF-style: chr14-103404508-C-G.
Other names: c.4859G>C, p.Gly1620Ala (NM_001411054.1); short protein forms G1620A, G1646A.
Identifiers: ClinVar variation 2475502 (VCV002475502.3), dbSNP rs1467901454, ClinGen allele CA391071805.

ClinVar aggregate classification (germline): Uncertain significance (1 of 4 stars; one submission).

Conditions:
Inborn genetic diseases. Identifiers: MedGen C0950123, MeSH D030342.

Allele frequency attached by ClinVar (database versions not stated): gnomAD exomes 0.00001.
gnomAD v4.1: 3 of 1,613,464 alleles (0.00019%); highest among the groups gnomAD compares: Admixed American, 0.0033%; no homozygotes.

Submission:

Ambry Genetics
Classification: Uncertain significance for Inborn genetic diseases. Last evaluated: 2025-08-30. Review status: criteria provided, single submitter. Criteria: Ambry Variant Classification Scheme 2023. Collection method: clinical testing. Allele origin: germline.
Comment: The c.4937G>C (p.G1646A) alteration is located in exon 36 (coding exon 36) of the CDC42BPB gene. This alteration results from a G to C substitution at nucleotide position 4937, causing the glycine (G) at amino acid position 1646 to be replaced by an alanine (A). Based on data from gnomAD, the C allele has an overall frequency of 0.001% (2/250284) total alleles studied. The highest observed frequency was 0.006% (1/16246) of African alleles. This amino acid position is well conserved in available vertebrate species. This alteration is predicted to be tolerated by in silico analysis. Based on insufficient or conflicting evidence, the clinical significance of this alteration remains unclear.